The following is an entry in ClinVar:

NM_007126.5(VCP):c.2179C>A (p.Pro727Thr)

Gene: VCP (valosin containing protein; minus strand). Cytogenetic location: 9p13.3.
Variant type: single nucleotide variant.
Coding change: c.2179C>A on transcript NM_007126.5 (MANE Select); coding-DNA position 2179, C replaced by A.
Protein change: p.Pro727Thr; replaces proline 727 with threonine.
Molecular consequence: missense variant.
Genome position (GRCh38, 1-based): chr9:35,057,512, G>T on the plus strand (C>A on the coding strand, the complement: VCP is on the minus strand). VCF-style: chr9-35057512-G-T. GRCh37 (hg19) VCF-style: chr9-35057509-G-T.
Other names: c.2044C>A, p.Pro682Thr (NM_001354927.2, NM_001354928.2); short protein forms P682T, P727T.
Identifiers: ClinVar variation 2662302 (VCV002662302.4), dbSNP rs2490340597, ClinGen allele CA373271123.
Genomic context (GRCh38, chr9:35,057,512, plus strand): 5'-CAGAACGGCGCGCAAAGCGCATGGCTTCTTCAAAGTGATCTCGACGGATCTCAGGCACTG[G>T]ATCATCCTCTTCTACCTCCTATAGTTGGTAAACACAGATCACTAGGGCTAGTTAAAGCCC-3'
Protein context (NP_009057.1, residues 717-737): PSAMEVEEDD[Pro727Thr]VPEIRRDHFE

ClinVar aggregate classification (germline): Uncertain significance. Review status: criteria provided, multiple submitters, no conflicts (2 of 4 stars). 3 submissions from 3 submitters: Uncertain significance (3). Last evaluated 2026-06-25.

Conditions:
Frontotemporal dementia and/or amyotrophic lateral sclerosis 6 (FTDALS6). Also called: VCP-Related Amyotrophic Lateral Sclerosis; VCP-Related Amyotrophic Lateral Sclerosis/Frontotemporal Dementia. Identifiers: Orphanet 275872, Orphanet 803, MedGen C5436279, MONDO:0013501, OMIM 613954.
Inclusion body myopathy with Paget disease of bone and frontotemporal dementia. Also called: Inclusion body myopathy with early-onset Paget disease and frontotemporal dementia. Identifiers: Orphanet 52430, MedGen C1833662, MONDO:0000507.

gnomAD v4.1: 6 of 1,611,672 alleles (0.00037%); highest among the groups gnomAD compares: Non-Finnish European, 0.00051%; no homozygotes.

Submissions (3):

GeneDx
Classification: Uncertain significance. Last evaluated: 2026-06-25. Review status: criteria provided, single submitter. Criteria: GeneDx Variant Classification Process June 2021. Collection method: clinical testing. Allele origin: germline.
Comment: Not observed at significant frequency in large population cohorts (gnomAD); In silico analysis supports that this missense variant has a deleterious effect on protein structure/function; Has not been previously published as pathogenic or benign to our knowledge

Labcorp Genetics (formerly Invitae), Labcorp
Classification: Uncertain significance for Inclusion body myopathy with Paget disease of bone and frontotemporal dementia; Frontotemporal dementia and/or amyotrophic lateral sclerosis 6. Last evaluated: 2025-06-29. Review status: criteria provided, single submitter. Criteria: Invitae Variant Classification Sherloc (09022015). Collection method: clinical testing. Allele origin: germline.
Comment: This sequence change replaces proline, which is neutral and non-polar, with threonine, which is neutral and polar, at codon 727 of the VCP protein (p.Pro727Thr). This variant is not present in population databases (gnomAD no frequency). This variant has not been reported in the literature in individuals affected with VCP-related conditions. ClinVar contains an entry for this variant (Variation ID: 2662302). Invitae Evidence Modeling of protein sequence and biophysical properties (such as structural, functional, and spatial information, amino acid conservation, physicochemical variation, residue mobility, and thermodynamic stability) indicates that this missense variant is not expected to disrupt VCP protein function with a negative predictive value of 95%. In summary, the available evidence is currently insufficient to determine the role of this variant in disease. Therefore, it has been classified as a Variant of Uncertain Significance.

Revvity Omics, Revvity
Classification: Uncertain significance. Last evaluated: 2023-09-11. Review status: criteria provided, single submitter. Criteria: ACMG Guidelines, 2015. Collection method: clinical testing. Allele origin: germline.